The following is an entry in ClinVar:

ClinVar aggregate classification (germline): Pathogenic (1 of 4 stars; one submission).

Conditions:
Supravalvar aortic stenosis (SVAS). Also called: Supravalvar aortic stenosis, Eisenberg type. Identifiers: Orphanet 3193, MedGen C0003499, MONDO:0008504, OMIM 185500, HP:0004381.

Submission:

Labcorp Genetics (formerly Invitae), Labcorp
Classification: Pathogenic for Supravalvar aortic stenosis. Last evaluated: 2019-08-20. Review status: criteria provided, single submitter. Criteria: Invitae Variant Classification Sherloc (09022015). Collection method: clinical testing. Allele origin: germline.
Comment: For these reasons, this variant has been classified as Pathogenic. Loss-of-function variants in ELN are known to be pathogenic (PMID: 11175284). Algorithms developed to predict the effect of sequence changes on RNA splicing suggest that this variant may create or strengthen a splice site, but this prediction has not been confirmed by published transcriptional studies. This variant has not been reported in the literature in individuals with ELN-related conditions. This variant is not present in population databases (ExAC no frequency). This sequence change creates a premature translational stop signal (p.Val250Leufs*73) in the ELN gene. It is expected to result in an absent or disrupted protein product.

Literature cited by the submitters: PubMed 11175284.

NC_000007.14:g.74048505del

Gene: ELN (elastin; plus strand). Cytogenetic location: 7q11.23.
Variant type: Deletion.
Genome position: GRCh38 VCF-style: chr7-74048501-AG-A. GRCh37 (hg19) VCF-style: chr7-73462831-AG-A.
Identifiers: ClinVar variation 946134 (VCV000946134.9), dbSNP rs1793092853, ClinGen allele CA1139659781.
Genomic context (GRCh38, chr7:74,048,501, plus strand): 5'-GTGGGCTCTGGAGATACAGGAGCACTGTTTCAAGGTCTCTCCCCTCTGCTTCCTTCCCCC[AG>A]GGGTTGGCCCCCAGGCAGCAGCAGCAGCGGCAGCTAAAGCAGCAGCAAAGTTCGGTGAGT-3'